The following is an entry in ClinVar:

NM_015627.3(LDLRAP1):c.71_87del (p.Gly24fs)

Genes: LDLRAP1 (low density lipoprotein receptor adaptor protein 1; plus strand), LOC129929773 (ATAC-STARR-seq lymphoblastoid silent region 456; plus strand). Cytogenetic location: 1p36.11.
Variant type: Deletion.
Coding change: c.71_87del on transcript NM_015627.3 (MANE Select); coding-DNA positions 71 to 87, 17 bases deleted (GCGGTGGCCGGCACCGC).
Protein change: p.Gly24fs; shifts the reading frame from glycine 24.
Molecular consequence: frameshift variant.
Genome position (GRCh38, 1-based): chr1:25,543,769-25,543,785, GCGGTGGCCGGCACCGC deleted. VCF-style (leftmost placement, unchanged base first): chr1-25543768-GGCGGTGGCCGGCACCGC-G. GRCh37 (hg19) VCF-style: chr1-25870259-GGCGGTGGCCGGCACCGC-G.
Other names: c.71_87del17 (NM_015627.3); short protein forms G24fs.
Identifiers: ClinVar variation 4687614 (VCV004687614.1).
Genomic context (GRCh38, chr1:25,543,768, plus strand): 5'-CTCAAGTCGGCGGGGCGGGCGCTGATCCGGAGCCCCAGCTTGGCCAAGCAGAGCTGGGGG[GGCGGTGGCCGGCACCGC>G]AGTGAGTGTGCGCGCGTCAGCCGGGCCGGGCCGGGATCGGGCAGAGGCGCGCGGGGCCTC-3'

ClinVar aggregate classification (germline): Pathogenic (1 of 4 stars; one submission).

Conditions:
Familial hypercholesterolemia. Also called: Familial hypercholesterolaemia. Identifiers: MedGen C0020445, MONDO:0005439.

Submission:

Women's Health and Genetics/Laboratory Corporation of America, LabCorp
Classification: Pathogenic for Familial hypercholesterolemia. Last evaluated: 2025-10-02. Review status: criteria provided, single submitter. Criteria: LabCorp Variant Classification Summary - May 2015. Collection method: clinical testing. Allele origin: germline.
Comment: Variant summary: LDLRAP1 c.71_87del17 (p.Gly24GlufsX4) results in a premature termination codon, predicted to cause a truncation of the encoded protein or absence of the protein due to nonsense mediated decay, which are commonly known mechanisms for disease. Several computational tools predict a significant impact on normal splicing: One predict the variant abolishes a 5' splicing donor site. Two predict the variant weakens a 5' donor site. One predict the variant no significant impact on splicing. However, these predictions have yet to be confirmed by functional studies. The variant was absent in 30774 control chromosomes. To our knowledge, no occurrence of c.71_87del17 in individuals affected with LDLRAP1-related conditions and no experimental evidence demonstrating its impact on protein function have been reported. No submitters have cited clinical-significance assessments for this variant to ClinVar. Based on the evidence outlined above, the variant was classified as pathogenic.